The following is an entry in ClinVar:

NM_000308.4(CTSA):c.526G>A (p.Gly176Arg)

Gene: CTSA (cathepsin A; plus strand). Cytogenetic location: 20q13.12.
Variant type: single nucleotide variant.
Coding change: c.526G>A on transcript NM_000308.4 (MANE Select); coding-DNA position 526, G replaced by A.
Protein change: p.Gly176Arg; replaces glycine 176 with arginine.
Molecular consequence: missense variant. On other transcripts: non-coding transcript variant (1).
Genome position (GRCh38, 1-based): chr20:45,892,806, G>A. VCF-style: chr20-45892806-G-A. GRCh37 (hg19) VCF-style: chr20-44521445-G-A.
Other names: c.526G>A, p.Gly176Arg (NM_001127695.3); c.475G>A, p.Gly159Arg (NM_001167594.3); short protein forms G159R, G176R.
Identifiers: ClinVar variation 2506178 (VCV002506178.3), dbSNP rs1181505867, ClinGen allele CA409249328.
Genomic context (GRCh38, chr20:45,892,806, plus strand): 5'-GCCCTTCAAGATTTCTTCCGCCTCTTTCCGGAGTACAAGAACAACAAACTTTTCCTGACC[G>A]GGGAGAGCTATGCTGGCATCTACATCCCCACCCTGGCCGTGCTGGTCATGCAGGATCCCA-3'
Protein context (NP_000299.3, residues 166-186): EYKNNKLFLT[Gly176Arg]ESYAGIYIPT

ClinVar aggregate classification (germline): Uncertain significance (1 of 4 stars; one submission).

Allele frequency attached by ClinVar (database versions not stated): gnomAD 0.00001; TOPMed 0.00001.
gnomAD v4.1: 4 of 1,614,010 alleles (0.00025%); highest among the groups gnomAD compares: Admixed American, 0.0033%; no homozygotes.

Submission:

Women's Health and Genetics/Laboratory Corporation of America, LabCorp
Classification: Uncertain significance. Last evaluated: 2024-05-29. Review status: criteria provided, single submitter. Criteria: LabCorp Variant Classification Summary - May 2015. Collection method: clinical testing. Allele origin: germline.
Comment: Variant summary: CTSA c.526G>A (p.Gly176Arg) results in a non-conservative amino acid change in the encoded protein sequence. Five of five in-silico tools predict a damaging effect of the variant on protein function. The variant allele was found at a frequency of 2.5e-06 in 1614010 control chromosomes (gnomAD database v4.0.0). c.526G>A has been reported in the literature in a homozygous individual affected with Galactosialidosis (Saini_2022). These data indicate that the variant may be associated with disease. To our knowledge, no experimental evidence demonstrating an impact on protein function has been reported. The following publication have been ascertained in the context of this evaluation (PMID: 35587316). ClinVar contains an entry for this variant (Variation ID: 2506178). Based on the evidence outlined above, the variant was classified as VUS-possibly pathogenic.

Literature cited by the submitters: PubMed 35587316.